The following is an entry in ClinVar:

ClinVar aggregate classification (germline): Uncertain significance (0 of 4 stars; one submission).

Conditions:
SEMA3F-related disorder. Also called: SEMA3F-related condition.

Submission:

PreventionGenetics, part of Exact Sciences
Classification: Uncertain significance for SEMA3F-related condition. Last evaluated: 2024-09-18. Review status: no assertion criteria provided. Collection method: clinical testing. Allele origin: germline.
Comment: The SEMA3F c.1789C>T variant is predicted to result in premature protein termination (p.Gln597*). To our knowledge, this variant has not been reported in the literature or in a large population database, indicating this variant is rare. At this time, the clinical significance of this variant is uncertain due to the absence of conclusive functional and genetic evidence.

NM_004186.5(SEMA3F):c.1789C>T (p.Gln597Ter)

Gene: SEMA3F (semaphorin 3F; plus strand). Cytogenetic location: 3p21.31.
Variant type: single nucleotide variant.
Coding change: c.1789C>T on transcript NM_004186.5 (MANE Select); coding-DNA position 1789, C replaced by T.
Protein change: p.Gln597Ter; replaces glutamine 597 with a stop codon.
Molecular consequence: nonsense.
Genome position (GRCh38, 1-based): chr3:50,186,324, C>T. VCF-style: chr3-50186324-C-T. GRCh37 (hg19) VCF-style: chr3-50223757-C-T.
Other names: c.1492C>T, p.Gln498Ter (NM_001318798.2); c.1696C>T, p.Gln566Ter (NM_001318800.2); short protein forms Q498*, Q566*, Q597*.
Identifiers: ClinVar variation 3344057 (VCV003344057.1).
Genomic context (GRCh38, chr3:50,186,324, plus strand): 5'-GGGCTATCCTCATCCAGGCGGAGCCGCCGGCAGGACGTCCGGCACGGAAACCCCATCAGG[C>T]AGTGCCGTGGGTTCAACTCCAATGGTGAGTATGCTGGGCCTCACTGTGGGGTGCTGCTCA-3'